The following is an entry in ClinVar:

ClinVar aggregate classification (germline): Likely pathogenic (0 of 4 stars; one submission).

Conditions:
DLX5-related disorder. Also called: DLX5-related condition.

Submission:

PreventionGenetics, part of Exact Sciences
Classification: Likely pathogenic for DLX5-related condition. Last evaluated: 2024-08-13. Review status: no assertion criteria provided. Collection method: clinical testing. Allele origin: germline.
Comment: The DLX5 c.541-1G>A variant is predicted to disrupt the AG splice acceptor site and interfere with normal splicing. which is predicted to disrupt the AG splice acceptor site and interfere with normal splicing (Splice AI, Jaganathan et al. 2019. PubMed ID: 30661751). To our knowledge, this variant has not been reported in the literature or in a large population database, indicating this variant is rare. This variant is located at the splicing acceptor site of the last exon. This variant is interpreted as likely pathogenic.

NM_005221.6(DLX5):c.541-1G>A

Genes: DLX5 (distal-less homeobox 5; minus strand), LOC126860116 (CDK7 strongly-dependent group 2 enhancer GRCh37_chr7:96650255-96651454; plus strand). Cytogenetic location: 7q21.3.
Variant type: single nucleotide variant.
Coding change: c.541-1G>A on transcript NM_005221.6 (MANE Select); the canonical splice acceptor site of the intron before coding-DNA position 541, G replaced by A.
Molecular consequence: splice acceptor variant.
Genome position (GRCh38, 1-based): chr7:97,021,066, C>T on the plus strand (G>A on the coding strand, the complement: DLX5 is on the minus strand). VCF-style: chr7-97021066-C-T. GRCh37 (hg19) VCF-style: chr7-96650378-C-T.
Identifiers: ClinVar variation 3030607 (VCV003030607.2), dbSNP rs2485516681, ClinGen allele CA368261289.
Genomic context (GRCh38, chr7:97,021,066, plus strand): 5'-CTCCCCGTTTTTCATGATCTTCTTGATCTTGGATCTTTTGTTCTGAAACCAGATTTTCAC[C>T]TGAGTTGGGGAACAAAGGCACACGTTACCGGGACACTCAGAGGTCGCCCGCGCCTTCCCC-3'